The following is an entry in ClinVar:

ClinVar aggregate classification (germline): Benign/Likely benign. Review status: criteria provided, multiple submitters, no conflicts (2 of 4 stars). 6 submissions from 6 submitters: Benign (4); Likely benign (1). 1 of the submissions does not count toward it. Last evaluated 2026-01-26.

Conditions:
CLPB-related disorder. Also called: CLPB-related condition.
3-methylglutaconic aciduria, type VIIB (MGCA7B). Also called: 3-methylglutaconic aciduria with cataracts, neurologic involvement and neutropenia; CLPB Deficiency; 3-methylglutaconic aciduria, type VII, with cataracts, neurologic involvement and neutropenia. Identifiers: Orphanet 445038, MedGen C5676893, MONDO:0014561, OMIM 616271.

Allele frequency attached by ClinVar (database versions not stated): gnomAD exomes 0.00184 and 0.00459; ExAC 0.00564; gnomAD 0.01762; 1000 Genomes Project 0.01817; 1000 Genomes Project 30x 0.01952; ESP Exome Variant Server 0.02079; TOPMed 0.02121.

Submissions (6):

Labcorp Genetics (formerly Invitae), Labcorp
Classification: Benign for 3-methylglutaconic aciduria, type VIIB. Last evaluated: 2026-01-26. Review status: criteria provided, single submitter. Criteria: Invitae Variant Classification Sherloc (09022015). Collection method: clinical testing. Allele origin: germline.

Women's Health and Genetics/Laboratory Corporation of America, LabCorp
Classification: Likely benign. Last evaluated: 2026-01-22. Review status: criteria provided, single submitter. Criteria: LabCorp Variant Classification Summary - May 2015. Collection method: clinical testing. Allele origin: germline.

Mayo Clinic Laboratories, Mayo Clinic
Classification: Benign. Last evaluated: 2024-01-07. Review status: criteria provided, single submitter. Criteria: ACMG Guidelines, 2015. Collection method: clinical testing. Allele origin: germline. Observed: 18 variant alleles.

GeneDx
Classification: Benign. Last evaluated: 2016-02-17. Review status: criteria provided, single submitter. Criteria: GeneDx Variant Classification (06012015). Collection method: clinical testing. Allele origin: germline. Affected: yes.
Comment: This variant is considered likely benign or benign based on one or more of the following criteria: it is a conservative change, it occurs at a poorly conserved position in the protein, it is predicted to be benign by multiple in silico algorithms, and/or has population frequency not consistent with disease.

Breakthrough Genomics
Classification: Benign. Review status: criteria provided, single submitter. Criteria: ACMG Guidelines, 2015. Collection method: not provided. Allele origin: germline. Inheritance: Autosomal recessive inheritance. Affected: yes.

PreventionGenetics, part of Exact Sciences
Classification: Benign for CLPB-related condition. Last evaluated: 2019-12-23. Review status: no assertion criteria provided. Collection method: clinical testing. Allele origin: germline. Not counted in ClinVar's aggregate classification.
Comment: This variant is classified as benign based on ACMG/AMP sequence variant interpretation guidelines (Richards et al. 2015 PMID: 25741868, with internal and published modifications).

NM_001258392.3(CLPB):c.794G>C (p.Arg265Thr)

Gene: CLPB (ClpB family mitochondrial disaggregase; minus strand). Cytogenetic location: 11q13.4.
Variant type: single nucleotide variant.
Coding change: c.794G>C on transcript NM_001258392.3 (MANE Select); coding-DNA position 794, G replaced by C.
Protein change: p.Arg265Thr; replaces arginine 265 with threonine.
Molecular consequence: missense variant.
Genome position (GRCh38, 1-based): chr11:72,329,786, C>G on the plus strand (G>C on the coding strand, the complement: CLPB is on the minus strand). VCF-style: chr11-72329786-C-G. GRCh37 (hg19) VCF-style: chr11-72040830-C-G.
Other names: p.Arg295Thr; c.707G>C, p.Arg236Thr (NM_001258393.3); c.749G>C, p.Arg250Thr (NM_001258394.3); c.884G>C, p.Arg295Thr (NM_030813.6); short protein forms R295T, R265T, R250T, R236T.
Identifiers: ClinVar variation 380518 (VCV000380518.17), dbSNP rs7938203, ClinGen allele CA6171372.
Genomic context (GRCh38, chr11:72,329,786, plus strand): 5'-AGAAGCTTCATCACTTCCCCTTCTCGGGCATAATCCAAGGGTGTGTGTCCCATTTCATTC[C>G]TCTGCAGGGGGTTGGCTCCTGGCAAGAGAAGAAGGATAAACAGAGGCTCTATGAACGATC-3'
Protein context (NP_001245321.1, residues 255-275): LLDGGANPLQ[Arg265Thr]NEMGHTPLDY